The following is an entry in ClinVar:

ClinVar aggregate classification (germline): Uncertain significance (1 of 4 stars; one submission).

Conditions:
Spermatogenic failure 18. Identifiers: MedGen C4539783, MONDO:0054615, OMIM 617576.
Ciliary dyskinesia, primary, 37 (CILD37). Also called: CILIARY DYSKINESIA, PRIMARY, 37, WITH OR WITHOUT SITUS INVERSUS. Identifiers: MedGen C4539798, MONDO:0033204, OMIM 617577.

Submission:

Labcorp Genetics (formerly Invitae), Labcorp
Classification: Uncertain significance for Ciliary dyskinesia, primary, 37; Spermatogenic failure 18. Last evaluated: 2022-04-17. Review status: criteria provided, single submitter. Criteria: Invitae Variant Classification Sherloc (09022015). Collection method: clinical testing. Allele origin: germline.
Comment: In summary, the available evidence is currently insufficient to determine the role of this variant in disease. Therefore, it has been classified as a Variant of Uncertain Significance. Advanced modeling of protein sequence and biophysical properties (such as structural, functional, and spatial information, amino acid conservation, physicochemical variation, residue mobility, and thermodynamic stability) performed at Invitae indicates that this missense variant is expected to disrupt DNAH1 protein function. This variant has not been reported in the literature in individuals affected with DNAH1-related conditions. This variant is not present in population databases (gnomAD no frequency). This sequence change replaces proline, which is neutral and non-polar, with alanine, which is neutral and non-polar, at codon 2731 of the DNAH1 protein (p.Pro2731Ala).

NM_015512.5(DNAH1):c.8191C>G (p.Pro2731Ala)

Gene: DNAH1 (dynein axonemal heavy chain 1; plus strand). Cytogenetic location: 3p21.1.
Variant type: single nucleotide variant.
Coding change: c.8191C>G on transcript NM_015512.5 (MANE Select); coding-DNA position 8191, C replaced by G.
Protein change: p.Pro2731Ala; replaces proline 2731 with alanine.
Molecular consequence: missense variant.
Genome position (GRCh38, 1-based): chr3:52,383,900, C>G. VCF-style: chr3-52383900-C-G. GRCh37 (hg19) VCF-style: chr3-52417916-C-G.
Other names: short protein forms P2731A.
Identifiers: ClinVar variation 2127452 (VCV002127452.4), dbSNP rs1392367136, ClinGen allele CA353184998.
Genomic context (GRCh38, chr3:52,383,900, plus strand): 5'-TTGGATTCCTGACTTTCCAGCCCCATCGGAGAGGTCTTCCGAGCTCGTCTGAGGCAGTTT[C>G]CCTCCCTGGTCAACTGCTGTACCATCGACTGGTTTAACGAGTGGCCGGCAGAAGCCCTGA-3'
Protein context (NP_056327.4, residues 2721-2741): EVFRARLRQF[Pro2731Ala]SLVNCCTIDW